The following is an entry in ClinVar:

NM_020699.4(GATAD2B):c.465+2T>C

Gene: GATAD2B (GATA zinc finger domain containing 2B; minus strand). Cytogenetic location: 1q21.3.
Variant type: single nucleotide variant.
Coding change: c.465+2T>C on transcript NM_020699.4 (MANE Select); the canonical splice donor site of the intron after coding-DNA position 465, T replaced by C.
Molecular consequence: splice donor variant.
Genome position (GRCh38, 1-based): chr1:153,819,604, A>G on the plus strand (T>C on the coding strand, the complement: GATAD2B is on the minus strand). VCF-style: chr1-153819604-A-G. GRCh37 (hg19) VCF-style: chr1-153792080-A-G.
Other names: c.465+2T>C (NM_020699.3).
Identifiers: ClinVar variation 3777131 (VCV003777131.1).
Genomic context (GRCh38, chr1:153,819,604, plus strand): 5'-TGAGGAATTAAATAAAATAGAAGGAGCATAACAAGAAGAAAGAAATTTTTCTTTCTTTTT[A>G]CCTTAAACATCTCTAAGTTGGCTGCTTTGAGTCTTTCTTCCATTCTGGAACTGGAACGGG-3'

ClinVar aggregate classification (germline): Pathogenic (1 of 4 stars; one submission).

Conditions:
Severe intellectual disability-poor language-strabismus-grimacing face-long fingers syndrome (GAND). Also called: GAND SYNDROME. Identifiers: Orphanet 363686, MedGen C3554448, MONDO:0014034, OMIM 615074.

Submission:

University of Washington Department of Laboratory Medicine, University of Washington
Classification: Pathogenic for Severe intellectual disability-poor language-strabismus-grimacing face-long fingers syndrome. Last evaluated: 2021-04-07. Review status: criteria provided, single submitter. Criteria: ACMG Guidelines, 2015. Collection method: clinical testing. Allele origin: de novo. Affected: yes.
Comment: The c.465+2T>C variant alters the canonical donor splice site in intron 3, which is predicted to result in abnormal gene splicing. These predictions have not been tested directly. Heterozygous loss-of-function is an established mechanism of disease for the GATAD2B gene. Notably, a different variant at the same canonical donor splice (c.465+1G>C) has been previously reported in an affected individual (Shieh 2020). Using ACMG guidelines, this variant was classified as pathogenic for autosomal dominant GATAD2B-related neurodevelopmental disorder (ACMG evidence codes used: PVS1, PS2, PM2_supporting).